The following is an entry in ClinVar:

NM_004380.3(CREBBP):c.4944dup (p.Ile1649fs)

Gene: CREBBP (CREB binding lysine acetyltransferase; minus strand). Cytogenetic location: 16p13.3.
Variant type: Duplication.
Coding change: c.4944dup on transcript NM_004380.3 (MANE Select); coding-DNA position 4944, one base duplicated (C; older notation c.4944dupC).
Protein change: p.Ile1649fs; shifts the reading frame from isoleucine 1649.
Molecular consequence: frameshift variant.
Genome position (GRCh38, 1-based): chr16:3,731,420, G duplicated on the plus strand (C on the coding strand, the reverse complement: CREBBP is on the minus strand); the first of 6 consecutive G bases (chr16:3,731,420-3,731,425); duplicating any one gives the same sequence. VCF-style (leftmost placement, unchanged base first): chr16-3731419-T-TG. GRCh37 (hg19) VCF-style: chr16-3781420-T-TG.
Other names: c.4830dup, p.Ile1611fs (NM_001079846.1); c.4944dupC (NM_004380.2); short protein forms I1611fs, I1649fs.
Identifiers: ClinVar variation 1076909 (VCV001076909.11), dbSNP rs2151317319, ClinGen allele CA620714481.

ClinVar aggregate classification (germline): Pathogenic. Review status: criteria provided, multiple submitters, no conflicts (2 of 4 stars). 3 submissions from 3 submitters: Pathogenic (2). 1 of the submissions does not count toward it. Last evaluated 2025-01-01.

Conditions:
Rubinstein-Taybi syndrome (RSTS). Identifiers: Orphanet 783, MedGen C0035934, MONDO:0019188.
Rubinstein-Taybi syndrome due to CREBBP mutations (RSTS1). Also called: CREBBP-Related Rubinstein-Taybi Syndrome; RUBINSTEIN-TAYBI SYNDROME 1, INCOMPLETE; BROAD THUMB-HALLUX SYNDROME; RUBINSTEIN SYNDROME; BROAD THUMBS AND GREAT TOES, CHARACTERISTIC FACIES, AND IMPAIRED INTELLECTUAL DEVELOPMENT; Rubinstein-Taybi syndrome 1. Identifiers: Orphanet 353277, Orphanet 783, MedGen C4551859, MONDO:0008393, OMIM 180849.

Submissions (3):

Center of Human Genetics, Hôpital Erasme
Classification: Pathogenic for Rubinstein-Taybi syndrome due to CREBBP mutations. Last evaluated: 2025-01-01. Review status: criteria provided, single submitter. Criteria: ACMG Guidelines, 2015. Collection method: clinical testing. Allele origin: unknown. Affected: yes.

Labcorp Genetics (formerly Invitae), Labcorp
Classification: Pathogenic for Rubinstein-Taybi syndrome. Last evaluated: 2021-02-28. Review status: criteria provided, single submitter. Criteria: Invitae Variant Classification Sherloc (09022015). Collection method: clinical testing. Allele origin: germline.
Comment: For these reasons, this variant has been classified as Pathogenic. This variant has been observed in individual(s) with Rubinstein-Taybi syndrome (PMID: 18792986, 25108505). This variant is not present in population databases (ExAC no frequency). This sequence change creates a premature translational stop signal (p.Ile1649Hisfs*11) in the CREBBP gene. It is expected to result in an absent or disrupted protein product. Loss-of-function variants in CREBBP are known to be pathogenic (PMID: 17052327, 18792986).

Diagnostics Centre, Carl Von Ossietzky University Oldenburg
Classification: Pathogenic. Last evaluated: 2025-06-18. Review status: no assertion criteria provided. Collection method: clinical testing. Allele origin: germline. Affected: yes. Observed: 1 variant allele. Not counted in ClinVar's aggregate classification.
Comment: The variant CREBBP:c.4944dup p.(Ile1649Hisfs*11) is located in the exon 30 of the CREBBP gene. The change results in a frameshift at protein position 1649 and the formation of a premature stop codon after 11 amino acids. The variant affects an exon [30/31] present in a biologically relevant transcript and is predicted to cause protein truncation/absent due to nonsense mediated decay, in a gene where loss-of-function is a known mechanism of disease. The variant has been classified as Pathogenic in two entries in ClinVar (VCV001076909.10). The variant has also been identified in at least one publication involving a patient with Rubinstein-Taybi syndrome 1 (PMID: 21189944). The variant is classified as very rare since it is absent in gnomAD v4.1.0. In summary, the variant is classified as Pathogenic.

Literature cited by the submitters: PubMed 18792986 (cited by Labcorp Genetics (formerly Invitae), Labcorp); PubMed 25108505 (cited by Labcorp Genetics (formerly Invitae), Labcorp); PubMed 17052327 (cited by Labcorp Genetics (formerly Invitae), Labcorp); PubMed 21189944 (cited by Diagnostics Centre, Carl Von Ossietzky University Oldenburg).